The following is an entry in ClinVar:

NM_032188.3(KAT8):c.517-1G>T

Gene: KAT8 (lysine acetyltransferase 8; plus strand). Cytogenetic location: 16p11.2.
Variant type: single nucleotide variant.
Coding change: c.517-1G>T on transcript NM_032188.3 (MANE Select); the canonical splice acceptor site of the intron before coding-DNA position 517, G replaced by T.
Molecular consequence: splice acceptor variant.
Genome position (GRCh38, 1-based): chr16:31,127,188, G>T. VCF-style: chr16-31127188-G-T. GRCh37 (hg19) VCF-style: chr16-31138509-G-T.
Other names: c.517-1G>T (NM_182958.4).
Identifiers: ClinVar variation 3384551 (VCV003384551.1).
Genomic context (GRCh38, chr16:31,127,188, plus strand): 5'-CCCCTTGCCGAGGAGCCCCTGCTGAGCCGTGCACTGTGCCTCACTCCCACCCTGCCTGCA[G>T]ATCACCAAGGTGAAGTATGTGGACAAGATCCACATCGGGAACTACGAAATTGATGCCTGG-3'

ClinVar aggregate classification (germline): Uncertain significance (1 of 4 stars; one submission).

Submission:

GeneDx
Classification: Uncertain significance. Last evaluated: 2024-06-03. Review status: criteria provided, single submitter. Criteria: GeneDx Variant Classification Process June 2021. Collection method: clinical testing. Allele origin: germline. Affected: yes.
Comment: Canonical splice site variant in a gene or region of a gene for which loss of function is not a well-established mechanism of disease; Not observed at significant frequency in large population cohorts (gnomAD); Has not been previously published as pathogenic or benign to our knowledge